The following is an entry in ClinVar:

ClinVar aggregate classification (germline): Uncertain significance (1 of 4 stars; one submission).

Conditions:
Hereditary spastic paraplegia 4. Also called: Familial spastic paraplegia autosomal dominant 2; Spastic paraplegia 4, autosomal dominant; Spastic Paraplegia 4. Identifiers: Orphanet 100985, MedGen C1866855, MONDO:0008438, OMIM 182601.

Allele frequency attached by ClinVar (database versions not stated): gnomAD exomes below 0.00001; ExAC 0.00003.
gnomAD v4.1: 1 of 1,580,254 alleles (0.000063%); highest among the groups gnomAD compares: South Asian, 0.0011%; no homozygotes.

Submission:

Labcorp Genetics (formerly Invitae), Labcorp
Classification: Uncertain significance for Hereditary spastic paraplegia 4. Last evaluated: 2022-07-02. Review status: criteria provided, single submitter. Criteria: Invitae Variant Classification Sherloc (09022015). Collection method: clinical testing. Allele origin: germline.
Comment: This variant has not been reported in the literature in individuals affected with SPAST-related conditions. The frequency data for this variant in the population databases is considered unreliable, as metrics indicate poor data quality at this position in the gnomAD database. This sequence change replaces glycine, which is neutral and non-polar, with glutamic acid, which is acidic and polar, at codon 6 of the SPAST protein (p.Gly6Glu). Advanced modeling of protein sequence and biophysical properties (such as structural, functional, and spatial information, amino acid conservation, physicochemical variation, residue mobility, and thermodynamic stability) performed at Invitae indicates that this missense variant is not expected to disrupt SPAST protein function. In summary, the available evidence is currently insufficient to determine the role of this variant in disease. Therefore, it has been classified as a Variant of Uncertain Significance.

NM_014946.4(SPAST):c.17G>A (p.Gly6Glu)

Gene: SPAST (spastin; plus strand). Cytogenetic location: 2p22.3.
Variant type: single nucleotide variant.
Coding change: c.17G>A on transcript NM_014946.4 (MANE Select); coding-DNA position 17, G replaced by A.
Protein change: p.Gly6Glu; replaces glycine 6 with glutamic acid.
Molecular consequence: missense variant.
Genome position (GRCh38, 1-based): chr2:32,063,848, G>A. VCF-style: chr2-32063848-G-A. GRCh37 (hg19) VCF-style: chr2-32288917-G-A.
Other names: c.17G>A, p.Gly6Glu (NM_001363823.2, NM_001363875.2, NM_001377959.1 and 1 more transcripts); short protein forms G6E.
Identifiers: ClinVar variation 2132633 (VCV002132633.4), dbSNP rs757518655, ClinGen allele CA1600453.